The following is an entry in ClinVar:

NM_025179.4(PLXNA2):c.2829G>A (p.Thr943=)

Gene: PLXNA2 (plexin A2; minus strand). Cytogenetic location: 1q32.2.
Variant type: single nucleotide variant.
Coding change: c.2829G>A on transcript NM_025179.4 (MANE Select); coding-DNA position 2829, G replaced by A.
Protein change: p.Thr943=; no amino-acid change (threonine 943 retained).
Molecular consequence: synonymous variant.
Genome position (GRCh38, 1-based): chr1:208,054,448, C>T on the plus strand (G>A on the coding strand, the complement: PLXNA2 is on the minus strand). VCF-style: chr1-208054448-C-T. GRCh37 (hg19) VCF-style: chr1-208227793-C-T.
Other names: c.2829G>A (NM_025179.3).
Identifiers: ClinVar variation 2712211 (VCV002712211.5), dbSNP rs373842883, ClinGen allele CA1373389.
Genomic context (GRCh38, chr1:208,054,448, plus strand): 5'-GCACCTGCACCTGGCCCTGGACCCAGTACTCACCACGAAGGTGTACTGCTGATGGGACTT[C>T]GTCATGAACTCTGGCTTACACTCGCCAATACACAGGCGTACTGGCCCGGAGGTGGTTCCC-3'
Protein context (NP_079455.3, residues 933-953): CIGECKPEFM[Thr943=]KSHQQYTFVN

ClinVar aggregate classification (germline): Likely benign. Review status: criteria provided, single submitter (1 of 4 stars). 2 submissions from 2 submitters: Likely benign (1). 1 of the submissions does not count toward it. Last evaluated 2025-02-06.

Conditions:
PLXNA2-related disorder. Also called: PLXNA2-related condition.

Allele frequency attached by ClinVar (database versions not stated): gnomAD 0.00002; TOPMed 0.00003; ExAC 0.00004; ESP Exome Variant Server 0.00008.
gnomAD v4.1: 109 of 1,613,974 alleles (0.0068%); highest among the groups gnomAD compares: Middle Eastern, 0.033%; no homozygotes.

Submissions (2):

Labcorp Genetics (formerly Invitae), Labcorp
Classification: Likely benign. Last evaluated: 2025-02-06. Review status: criteria provided, single submitter. Criteria: Invitae Variant Classification Sherloc (09022015). Collection method: clinical testing. Allele origin: germline.

PreventionGenetics, part of Exact Sciences
Classification: Likely benign for PLXNA2-related condition. Last evaluated: 2021-11-12. Review status: no assertion criteria provided. Collection method: clinical testing. Allele origin: germline. Not counted in ClinVar's aggregate classification.
Comment: This variant is classified as likely benign based on ACMG/AMP sequence variant interpretation guidelines (Richards et al. 2015 PMID: 25741868, with internal and published modifications).